The following is an entry in ClinVar:

NM_001267550.2(TTN):c.6314C>G (p.Pro2105Arg)

Gene: TTN (titin; minus strand). Cytogenetic location: 2q31.2.
Variant type: single nucleotide variant.
Coding change: c.6314C>G on transcript NM_001267550.2 (MANE Select); coding-DNA position 6314, C replaced by G.
Protein change: p.Pro2105Arg; replaces proline 2105 with arginine.
Molecular consequence: missense variant.
Genome position (GRCh38, 1-based): chr2:178,775,550, G>C on the plus strand (C>G on the coding strand, the complement: TTN is on the minus strand). VCF-style: chr2-178775550-G-C. GRCh37 (hg19) VCF-style: chr2-179640277-G-C.
Other names: c.6176C>G, p.Pro2059Arg (NM_003319.4, NM_133432.3, NM_133437.4); c.6314C>G (NM_133379.4); c.6314C>G, p.Pro2105Arg (NM_001256850.1, NM_133378.4, NM_133379.5); short protein forms P2059R, P2105R.
Identifiers: ClinVar variation 518629 (VCV000518629.7), dbSNP rs547169244, ClinGen allele CA2005073.

ClinVar aggregate classification (germline): Uncertain significance. Review status: criteria provided, multiple submitters, no conflicts (2 of 4 stars). 3 submissions from 3 submitters: Uncertain significance (3). Last evaluated 2021-12-30.

Conditions:
Cardiovascular phenotype. Identifiers: MedGen CN230736.
Autosomal recessive limb-girdle muscular dystrophy type 2J (LGMDR10). Also called: MUSCULAR DYSTROPHY, LIMB-GIRDLE, AUTOSOMAL RECESSIVE 10; Limb-girdle muscular dystrophy, type 2J. Identifiers: Orphanet 140922, MedGen C1837342, MONDO:0012127, OMIM 608807.
Hypertrophic cardiomyopathy 9. Also called: Familial hypertrophic cardiomyopathy 9. Identifiers: MedGen C1861065, MONDO:0013412, OMIM 613765.
Tibial muscular dystrophy (TMD). Also called: Udd Distal Myopathy – Tibial Muscular Dystrophy; Tibial muscular dystrophy, tardive; UDD MYOPATHY. Identifiers: Orphanet 609, MedGen C1838244, MONDO:0010870, OMIM 600334.
Dilated cardiomyopathy 1G (CMD1G). Identifiers: Orphanet 154, MedGen C1858763, MONDO:0011400, OMIM 604145.
Early-onset myopathy with fatal cardiomyopathy (CMYO5). Also called: Salih Myopathy; CONGENITAL MYOPATHY 5 WITH CARDIOMYOPATHY. Identifiers: Orphanet 289377, MedGen C2673677, MONDO:0012714, OMIM 611705. Disease mechanism: loss of function.
Myopathy, myofibrillar, 9, with early respiratory failure (MFM9). Also called: MYOPATHY, PROXIMAL, WITH EARLY RESPIRATORY MUSCLE INVOLVEMENT; Myopathy, distal, with early respiratory failure, autosomal dominant; Hereditary myopathy with early respiratory failure; EDSTROM MYOPATHY. Identifiers: Orphanet 178464, Orphanet 34521, MedGen C1863599, MONDO:0011362, OMIM 603689.

Allele frequency attached by ClinVar (database versions not stated): ExAC 0.00001; gnomAD 0.00001; gnomAD exomes 0.00001 and 0.00002; TOPMed 0.00002; 1000 Genomes Project 0.00020; 1000 Genomes Project 30x 0.00031.
gnomAD v4.1: 8 of 1,613,940 alleles (0.0005%); highest among the groups gnomAD compares: Admixed American, 0.0083%; no homozygotes.

Submissions (3):

AiLife Diagnostics
Classification: Uncertain significance. Last evaluated: 2021-12-30. Review status: criteria provided, single submitter. Criteria: ACMG Guidelines, 2015. Collection method: clinical testing. Allele origin: germline. Affected: yes. Observed: 1 variant allele.

Fulgent Genetics
Classification: Uncertain significance for Tibial muscular dystrophy; Myopathy, myofibrillar, 9, with early respiratory failure; Dilated cardiomyopathy 1G; Autosomal recessive limb-girdle muscular dystrophy type 2J; Early-onset myopathy with fatal cardiomyopathy; Hypertrophic cardiomyopathy 9. Last evaluated: 2021-07-20. Review status: criteria provided, single submitter. Criteria: ACMG Guidelines, 2015. Collection method: clinical testing. Allele origin: unknown.

Ambry Genetics
Classification: Uncertain significance for Cardiovascular phenotype. Last evaluated: 2017-05-24. Review status: criteria provided, single submitter. Criteria: Ambry Variant Classification Scheme 2023. Collection method: clinical testing. Allele origin: germline.
Comment: The p.P2059R variant (also known as c.6176C>G), located in coding exon 26 of the TTN gene, results from a C to G substitution at nucleotide position 6176. The proline at codon 2059 is replaced by arginine, an amino acid with dissimilar properties. This amino acid position is highly conserved in available vertebrate species. In addition, the in silico prediction for this alteration is inconclusive. Since supporting evidence is limited at this time, the clinical significance of this alteration remains unclear.